The following is an entry in ClinVar:

NM_005050.4(ABCD4):c.1028+6G>T

Gene: ABCD4 (ATP binding cassette subfamily D member 4; minus strand). Cytogenetic location: 14q24.3.
Variant type: single nucleotide variant.
Coding change: c.1028+6G>T on transcript NM_005050.4 (MANE Select); 6 bases into the intron after coding-DNA position 1028, G replaced by T.
Molecular consequence: intron variant.
Genome position (GRCh38, 1-based): chr14:74,292,545, C>A on the plus strand (G>T on the coding strand, the complement: ABCD4 is on the minus strand). VCF-style: chr14-74292545-C-A. GRCh37 (hg19) VCF-style: chr14-74759248-C-A.
Other names: p.?; c.239+6G>T (NM_001353607.2, NM_001353604.2, NM_001353603.2 and 6 more transcripts); c.551+6G>T (NM_001353598.2, NM_001353601.2, NM_001353600.2 and 2 more transcripts); c.716+6G>T (NM_001353594.2); c.767+6G>T (NM_001353593.2); c.563+6G>T (NM_001353597.2); c.614+6G>T (NM_001353596.2, NM_001353595.2); c.902+6G>T (NM_001353591.2, NM_001353592.2); and 1 more.
Identifiers: ClinVar variation 380515 (VCV000380515.15), dbSNP rs115783644, ClinGen allele CA7266968.
Genomic context (GRCh38, chr14:74,292,545, plus strand): 5'-ACTCAGCCACTTCTGCCAGCAGCACACACTTTGCTCAGGAGCCAGAGGGGTGGGACACGG[C>A]CTCACCTGTGCGTGTAGCCAGCCACATCTGAGAGCGTCGTGGACAGGTCGATGAGCTGGG-3'

ClinVar aggregate classification (germline): Benign/Likely benign. Review status: criteria provided, multiple submitters, no conflicts (2 of 4 stars). 6 submissions from 6 submitters: Benign (5); Likely benign (1). Last evaluated 2026-01-31.

Conditions:
Methylmalonic acidemia with homocystinuria, type cblJ (MAHCJ). Also called: METHYLMALONIC ACIDURIA AND HOMOCYSTINURIA, cblJ TYPE. Identifiers: Orphanet 369955, MedGen C3553915, MONDO:0013925, OMIM 614857.

Allele frequency attached by ClinVar (database versions not stated): gnomAD exomes 0.00080 and 0.00199; ExAC 0.00247; gnomAD 0.00782 and 0.00836; ESP Exome Variant Server 0.00838; TOPMed 0.00851; 1000 Genomes Project 0.00879; 1000 Genomes Project 30x 0.00968.
gnomAD v4.1: 2,407 of 1,613,610 alleles (0.15%); highest among the groups gnomAD compares: African/African-American, 2.8%; 27 homozygotes.

Submissions (6):

Labcorp Genetics (formerly Invitae), Labcorp
Classification: Benign for Methylmalonic acidemia with homocystinuria, type cblJ. Last evaluated: 2026-01-31. Review status: criteria provided, single submitter. Criteria: Invitae Variant Classification Sherloc (09022015). Collection method: clinical testing. Allele origin: germline.

Mayo Clinic Laboratories, Mayo Clinic
Classification: Benign. Last evaluated: 2025-08-25. Review status: criteria provided, single submitter. Criteria: ACMG Guidelines, 2015. Collection method: clinical testing. Allele origin: germline. Observed: 1 variant allele.
Comment: BA1, BP4, BP7

ARUP Laboratories, Molecular Genetics and Genomics, ARUP Laboratories
Classification: Benign for Methylmalonic acidemia with homocystinuria, type cblJ. Last evaluated: 2025-06-03. Review status: criteria provided, single submitter. Criteria: ARUP Molecular Germline Variant Investigation Process 2024. Collection method: clinical testing. Allele origin: germline.

Blueprint Genetics
Classification: Likely benign. Last evaluated: 2024-11-06. Review status: criteria provided, single submitter. Criteria: ACMG Guidelines, 2015. Collection method: clinical testing. Allele origin: germline.

GeneDx
Classification: Benign. Last evaluated: 2017-12-26. Review status: criteria provided, single submitter. Criteria: GeneDx Variant Classification (06012015). Collection method: clinical testing. Allele origin: germline. Affected: yes.
Comment: This variant is considered likely benign or benign based on one or more of the following criteria: it is a conservative change, it occurs at a poorly conserved position in the protein, it is predicted to be benign by multiple in silico algorithms, and/or has population frequency not consistent with disease.

Breakthrough Genomics
Classification: Benign. Review status: criteria provided, single submitter. Criteria: ACMG Guidelines, 2015. Collection method: not provided. Allele origin: germline. Inheritance: Autosomal recessive inheritance. Affected: yes.